The following is an entry in ClinVar:

ClinVar aggregate classification (germline): Uncertain significance. Review status: criteria provided, multiple submitters, no conflicts (2 of 4 stars). 2 submissions from 2 submitters: Uncertain significance (2). Last evaluated 2024-09-05.

Conditions:
Hereditary cancer-predisposing syndrome. Also called: Hereditary Cancer Syndrome; Neoplastic Syndromes, Hereditary; Tumor predisposition; Hereditary neoplastic syndrome. Identifiers: Orphanet 140162, MedGen C0027672, MeSH D009386, MONDO:0015356.
Retinoblastoma (RB1). Also called: RETINOBLASTOMA, SOMATIC. Identifiers: Orphanet 790, MedGen C0035335, MeSH D012175, MONDO:0008380, OMIM 180200, HP:0009919. Disease mechanism: loss of function. Inheritance: Both sporadic and heritable forms are tested..

Submissions (2):

Ambry Genetics
Classification: Uncertain significance for Hereditary cancer-predisposing syndrome. Last evaluated: 2024-09-05. Review status: criteria provided, single submitter. Criteria: Ambry Variant Classification Scheme 2023. Collection method: clinical testing. Allele origin: germline.
Comment: The p.R787G variant (also known as c.2359C>G), located in coding exon 23 of the RB1 gene, results from a C to G substitution at nucleotide position 2359. The arginine at codon 787 is replaced by glycine, an amino acid with dissimilar properties. This amino acid position is well conserved in available vertebrate species. In addition, the in silico prediction for this alteration is inconclusive. Based on the available evidence, the clinical significance of this variant remains unclear.

Labcorp Genetics (formerly Invitae), Labcorp
Classification: Uncertain significance for Retinoblastoma. Last evaluated: 2023-12-25. Review status: criteria provided, single submitter. Criteria: Invitae Variant Classification Sherloc (09022015). Collection method: clinical testing. Allele origin: germline.
Comment: This sequence change replaces arginine, which is basic and polar, with glycine, which is neutral and non-polar, at codon 787 of the RB1 protein (p.Arg787Gly). This variant is not present in population databases (gnomAD no frequency). This variant has not been reported in the literature in individuals affected with RB1-related conditions. ClinVar contains an entry for this variant (Variation ID: 1020960). Advanced modeling of protein sequence and biophysical properties (such as structural, functional, and spatial information, amino acid conservation, physicochemical variation, residue mobility, and thermodynamic stability) has been performed at Invitae for this missense variant, however the output from this modeling did not meet the statistical confidence thresholds required to predict the impact of this variant on RB1 protein function. In summary, the available evidence is currently insufficient to determine the role of this variant in disease. Therefore, it has been classified as a Variant of Uncertain Significance.

NM_000321.3(RB1):c.2359C>G (p.Arg787Gly)

Gene: RB1 (RB transcriptional corepressor 1; plus strand). Cytogenetic location: 13q14.2.
Variant type: single nucleotide variant.
Coding change: c.2359C>G on transcript NM_000321.3 (MANE Select); coding-DNA position 2359, C replaced by G.
Protein change: p.Arg787Gly; replaces arginine 787 with glycine.
Molecular consequence: missense variant.
Genome position (GRCh38, 1-based): chr13:48,465,238, C>G. VCF-style: chr13-48465238-C-G. GRCh37 (hg19) VCF-style: chr13-49039374-C-G.
Other names: c.2359C>G (NM_000321.2); short protein forms R787G.
Identifiers: ClinVar variation 1020960 (VCV001020960.9), dbSNP rs137853293, ClinGen allele CA388167816.